The following is an entry in ClinVar:

NM_016938.5(EFEMP2):c.1311T>G (p.Phe437Leu)

Genes: EFEMP2 (EGF-like fibulin extracellular matrix protein 2; minus strand), MUS81 (MUS81 structure-specific endonuclease subunit; plus strand). Cytogenetic location: 11q13.1.
Variant type: single nucleotide variant.
Coding change: c.1311T>G on transcript NM_016938.5 (MANE Select); coding-DNA position 1311, T replaced by G.
Protein change: p.Phe437Leu; replaces phenylalanine 437 with leucine.
Molecular consequence: missense variant. On other transcripts: non-coding transcript variant (1).
Genome position (GRCh38, 1-based): chr11:65,866,939, A>C on the plus strand (T>G on the coding strand, the complement: EFEMP2 is on the minus strand). VCF-style: chr11-65866939-A-C. GRCh37 (hg19) VCF-style: chr11-65634410-A-C.
Other names: short protein forms F437L.
Identifiers: ClinVar variation 827976 (VCV000827976.2), dbSNP rs1591064625, ClinGen allele CA381348027.

ClinVar aggregate classification (germline): Uncertain significance (1 of 4 stars; one submission).

Conditions:
Cutis laxa, autosomal recessive, type 1B (ARCL1B). Also called: EFEMP2-Related Cutis Laxa; CUTIS LAXA, AUTOSOMAL RECESSIVE, TYPE IB. Identifiers: Orphanet 90349, MedGen C3280798, MONDO:0013754, OMIM 614437. Disease mechanism: loss of function.

Allele frequency attached by ClinVar (database versions not stated): gnomAD exomes below 0.00001.
gnomAD v4.1: 1 of 1,614,142 alleles (0.000062%); highest among the groups gnomAD compares: Non-Finnish European, 0.000085%; no homozygotes.

Submission:

Center for Genomics, Ann and Robert H. Lurie Children's Hospital of Chicago
Classification: Uncertain significance for Cutis laxa, autosomal recessive, type 1B. Last evaluated: 2021-03-30. Review status: criteria provided, single submitter. Criteria: ACMG Guidelines, 2015. Collection method: clinical testing. Allele origin: germline.
Comment: EFEMP2 NM_016938.4 exon 11 p.Phe437Leu (c.1311T>G): This variant has not been reported in the literature and is not present in large control databases. Evolutionary conservation and computational predictive tools for this variant are unclear. Splice prediction tools suggest that this variant may affect splicing. However, further studies are needed to understand its impact. In summary, data on this variant is insufficient for disease classification. Therefore, the clinical significance of this variant is uncertain.